The following is an entry in ClinVar:

NM_001813.3(CENPE):c.5716G>A (p.Asp1906Asn)

Gene: CENPE (centromere protein E; minus strand). Cytogenetic location: 4q24.
Variant type: single nucleotide variant.
Coding change: c.5716G>A on transcript NM_001813.3 (MANE Select); coding-DNA position 5716, G replaced by A.
Protein change: p.Asp1906Asn; replaces aspartic acid 1906 with asparagine.
Molecular consequence: missense variant.
Genome position (GRCh38, 1-based): chr4:103,140,852, C>T on the plus strand (G>A on the coding strand, the complement: CENPE is on the minus strand). VCF-style: chr4-103140852-C-T. GRCh37 (hg19) VCF-style: chr4-104062009-C-T.
Other names: c.5641G>A, p.Asp1881Asn (NM_001286734.2); short protein forms D1881N, D1906N.
Identifiers: ClinVar variation 4535492 (VCV004535492.1).
Genomic context (GRCh38, chr4:103,140,852, plus strand): 5'-GTAAAGAGAGAACACAACTCACTCTAGCTTTGGTTTCTTGCAGGCTTTCCTTGAGTTGGT[C>T]TCTCTCCAGTTTGAGTGTCTCCTCTACTCTTCTTAGATTATCTCTTTCTTTCATTACAGA-3'
Protein context (NP_001804.2, residues 1896-1916): RVEETLKLER[Asp1906Asn]QLKESLQETK

ClinVar aggregate classification (germline): Uncertain significance (1 of 4 stars; one submission).

Submission:

Women's Health and Genetics/Laboratory Corporation of America, LabCorp
Classification: Uncertain significance. Last evaluated: 2025-09-16. Review status: criteria provided, single submitter. Criteria: LabCorp Variant Classification Summary - May 2015. Collection method: clinical testing. Allele origin: germline.
Comment: Variant summary: CENPE c.5716G>A (p.Asp1906Asn) results in a conservative amino acid change in the encoded protein sequence. Algorithms developed to predict the effect of missense changes on protein structure and function all suggest that this variant is likely to be tolerated. The variant was absent in 241286 control chromosomes. The available data on variant occurrences in the general population are insufficient to allow any conclusion about variant significance. To our knowledge, no occurrence of c.5716G>A in individuals affected with CENPE-related conditions and no experimental evidence demonstrating its impact on protein function have been reported. No submitters have cited clinical-significance assessments for this variant to ClinVar. Based on the evidence outlined above, the variant was classified as uncertain significance.